The following is an entry in ClinVar:

NM_178457.3(ZNF831):c.863C>T (p.Pro288Leu)

Gene: ZNF831 (zinc finger protein 831; plus strand). Cytogenetic location: 20q13.32.
Variant type: single nucleotide variant.
Coding change: c.863C>T on transcript NM_178457.3 (MANE Select); coding-DNA position 863, C replaced by T.
Protein change: p.Pro288Leu; replaces proline 288 with leucine.
Molecular consequence: missense variant.
Genome position (GRCh38, 1-based): chr20:59,191,882, C>T. VCF-style: chr20-59191882-C-T. GRCh37 (hg19) VCF-style: chr20-57766937-C-T.
Other names: c.863C>T, p.Pro288Leu (NM_001384354.1); short protein forms P288L.
Identifiers: ClinVar variation 2652455 (VCV002652455.24), dbSNP rs563255417, ClinGen allele CA9929262.

ClinVar aggregate classification (germline): Benign (1 of 4 stars; one submission).

Allele frequency attached by ClinVar (database versions not stated): gnomAD exomes 0.00007; TOPMed 0.00019; gnomAD 0.00023; ExAC 0.00027; 1000 Genomes Project 0.00060; 1000 Genomes Project 30x 0.00062.
gnomAD v4.1: 156 of 1,613,060 alleles (0.0097%); highest among the groups gnomAD compares: East Asian, 0.24%; 1 homozygote.

Submission:

CeGaT Center for Human Genetics Tuebingen
Classification: Benign. Last evaluated: 2022-08-01. Review status: criteria provided, single submitter. Criteria: CeGaT Center For Human Genetics Tuebingen Variant Classification Criteria Version 2. Collection method: clinical testing. Allele origin: germline. Affected: yes. Observed: 1 variant allele.
Comment: ZNF831: BP4, BS1, BS2